The following is an entry in ClinVar:

NM_032043.3(BRIP1):c.1434C>A (p.His478Gln)

Gene: BRIP1 (BRCA1 interacting DNA helicase 1; minus strand). Cytogenetic location: 17q23.2.
Variant type: single nucleotide variant.
Coding change: c.1434C>A on transcript NM_032043.3 (MANE Select); coding-DNA position 1434, C replaced by A.
Protein change: p.His478Gln; replaces histidine 478 with glutamine.
Molecular consequence: missense variant.
Genome position (GRCh38, 1-based): chr17:61,793,636, G>T on the plus strand (C>A on the coding strand, the complement: BRIP1 is on the minus strand). VCF-style: chr17-61793636-G-T. GRCh37 (hg19) VCF-style: chr17-59870997-G-T.
Other names: short protein forms H478Q.
Identifiers: ClinVar variation 934059 (VCV000934059.11), dbSNP rs2077853857, ClinGen allele CA400482113.
Genomic context (GRCh38, chr17:61,793,636, plus strand): 5'-CAGGTAGAAAAAATATCTTACCTGCAAAATGGGAAAAGTAGCAGTGGTGATACCCATTTT[G>T]TGTAAAGTTAAGAGCATTTCATTTCCACTCCATATTTTACAAGCTGATTCATAATCTCTT-3'
Protein context (NP_114432.2, residues 468-488): WSGNEMLLTL[His478Gln]KMGITTATFP

ClinVar aggregate classification (germline): Uncertain significance. Review status: criteria provided, multiple submitters, no conflicts (2 of 4 stars). 2 submissions from 2 submitters: Uncertain significance (2). Last evaluated 2024-10-21.

Conditions:
Fanconi anemia complementation group J. Also called: BRIP1-Related Fanconi Anemia. Identifiers: Orphanet 84, MedGen C1836860, MONDO:0012187, OMIM 609054.
Familial cancer of breast. Also called: BREAST CANCER, FAMILIAL; hereditary breast carcinoma; Hereditary breast cancer. Identifiers: Orphanet 227535, MedGen C0346153, MONDO:0016419, OMIM 114480. Disease mechanism: loss of function.
Hereditary cancer-predisposing syndrome. Also called: Tumor predisposition; Hereditary neoplastic syndrome; Neoplastic Syndromes, Hereditary; Hereditary Cancer Syndrome. Identifiers: Orphanet 140162, MedGen C0027672, MeSH D009386, MONDO:0015356.

Submissions (2):

Ambry Genetics
Classification: Uncertain significance for Hereditary cancer-predisposing syndrome. Last evaluated: 2024-10-21. Review status: criteria provided, single submitter. Criteria: Ambry Variant Classification Scheme 2023. Collection method: clinical testing. Allele origin: germline.
Comment: The p.H478Q variant (also known as c.1434C>A), located in coding exon 9 of the BRIP1 gene, results from a C to A substitution at nucleotide position 1434. The histidine at codon 478 is replaced by glutamine, an amino acid with highly similar properties. This amino acid position is conserved. In addition, this alteration is predicted to be tolerated by in silico analysis. Based on the available evidence, the clinical significance of this variant remains unclear.

Labcorp Genetics (formerly Invitae), Labcorp
Classification: Uncertain significance for Familial cancer of breast; Fanconi anemia complementation group J. Last evaluated: 2024-04-22. Review status: criteria provided, single submitter. Criteria: Invitae Variant Classification Sherloc (09022015). Collection method: clinical testing. Allele origin: germline.
Comment: This sequence change replaces histidine, which is basic and polar, with glutamine, which is neutral and polar, at codon 478 of the BRIP1 protein (p.His478Gln). This variant is not present in population databases (gnomAD no frequency). This variant has not been reported in the literature in individuals affected with BRIP1-related conditions. ClinVar contains an entry for this variant (Variation ID: 934059). Advanced modeling of protein sequence and biophysical properties (such as structural, functional, and spatial information, amino acid conservation, physicochemical variation, residue mobility, and thermodynamic stability) performed at Invitae indicates that this missense variant is not expected to disrupt BRIP1 protein function with a negative predictive value of 80%. In summary, the available evidence is currently insufficient to determine the role of this variant in disease. Therefore, it has been classified as a Variant of Uncertain Significance.